The following is an entry in ClinVar:

ClinVar aggregate classification (germline): Conflicting classifications of pathogenicity. Review status: criteria provided, conflicting classifications (1 of 4 stars). 3 submissions from 3 submitters: Uncertain significance (2); Likely benign (1). Last evaluated 2026-04-14.

Conditions:
Familial intrahepatic cholestasis. Identifiers: Orphanet 284385, MedGen CN296401, MONDO:0017290.

Allele frequency attached by ClinVar (database versions not stated): gnomAD 0.00001 and 0.00005; TOPMed 0.00004; ExAC 0.00007; gnomAD exomes 0.00010.
gnomAD v4.1: 124 of 1,613,644 alleles (0.0077%); highest among the groups gnomAD compares: South Asian, 0.12%; 3 homozygotes.

Submissions (3):

Genomenon, Inc
Classification: Uncertain significance for Familial intrahepatic cholestasis. Last evaluated: 2026-04-14. Review status: criteria provided, single submitter. Criteria: Genomenon Sequence Variant Interpretation Standards - Updated. Collection method: curation. Allele origin: germline. Affected: yes.
Comment: ABCB11 p.Asp94Asn (c.280G>A) is a missense variant that changes the amino acid at residue 94 from Aspartic acid to Asparagine. This variant has been observed in at least one proband with an ABCB11-related disorder (PMID:32087350). In conclusion, we classify ABCB11 p.Asp94Asn (c.280G>A) as a variant of uncertain significance.

Labcorp Genetics (formerly Invitae), Labcorp
Classification: Likely benign. Last evaluated: 2024-02-25. Review status: criteria provided, single submitter. Criteria: Invitae Variant Classification Sherloc (09022015). Collection method: clinical testing. Allele origin: germline.

Eurofins Ntd Llc (ga)
Classification: Uncertain significance. Last evaluated: 2016-11-07. Review status: criteria provided, single submitter. Criteria: EGL Classification Definitions 2015. Collection method: clinical testing. Allele origin: germline. Observed: 1 variant allele, 1 heterozygote.

Literature cited by the submitters: PubMed 32087350 (cited by Genomenon, Inc).

NM_003742.4(ABCB11):c.280G>A (p.Asp94Asn)

Gene: ABCB11 (ATP binding cassette subfamily B member 11; minus strand). Cytogenetic location: 2q31.1.
Variant type: single nucleotide variant.
Coding change: c.280G>A on transcript NM_003742.4 (MANE Select); coding-DNA position 280, G replaced by A.
Protein change: p.Asp94Asn; replaces aspartic acid 94 with asparagine.
Molecular consequence: missense variant.
Genome position (GRCh38, 1-based): chr2:169,013,381, C>T on the plus strand (G>A on the coding strand, the complement: ABCB11 is on the minus strand). VCF-style: chr2-169013381-C-T. GRCh37 (hg19) VCF-style: chr2-169869891-C-T.
Other names: c.280G>A, p.Asp94Asn (LRG_1199t1); short protein forms D94N.
Identifiers: ClinVar variation 498431 (VCV000498431.15), dbSNP rs760920706, ClinGen allele CA1951929.